The following is an entry in ClinVar:

NM_080680.3(COL11A2):c.5014G>A (p.Asp1672Asn)

Gene: COL11A2 (collagen type XI alpha 2 chain; minus strand). Cytogenetic location: 6p21.32.
Variant type: single nucleotide variant.
Coding change: c.5014G>A on transcript NM_080680.3 (MANE Select); coding-DNA position 5014, G replaced by A.
Protein change: p.Asp1672Asn; replaces aspartic acid 1672 with asparagine.
Molecular consequence: missense variant.
Genome position (GRCh38, 1-based): chr6:33,164,323, C>T on the plus strand (G>A on the coding strand, the complement: COL11A2 is on the minus strand). VCF-style: chr6-33164323-C-T. GRCh37 (hg19) VCF-style: chr6-33132100-C-T.
Other names: c.4693G>A, p.Asp1565Asn (NM_080679.3); c.4756G>A, p.Asp1586Asn (NM_080681.3); short protein forms D1565N, D1586N, D1672N.
Identifiers: ClinVar variation 1305904 (VCV001305904.2), dbSNP rs2150510495, ClinGen allele CA363616006.

ClinVar aggregate classification (germline): Uncertain significance (1 of 4 stars; one submission).

Submission:

GeneDx
Classification: Uncertain significance. Last evaluated: 2019-05-16. Review status: criteria provided, single submitter. Criteria: GeneDx Variant Classification Process June 2021. Collection method: clinical testing. Allele origin: germline. Affected: yes.
Comment: Has not been previously published as pathogenic or benign to our knowledge; Not observed in large population cohorts (Lek et al., 2016); In silico analysis, which includes protein predictors and evolutionary conservation, supports that this variant does not alter protein structure/function